The following is an entry in ClinVar:

ClinVar aggregate classification (germline): Uncertain significance (1 of 4 stars; one submission).

Conditions:
Ehlers-Danlos syndrome, classic type, 1 (EDSCL1). Also called: Ehlers-Danlos syndrome, type 1; Ehlers-Danlos Syndrome, Classic Type, COL5A1-Related; EDS I; EHLERS-DANLOS SYNDROME, GRAVIS TYPE; EHLERS-DANLOS SYNDROME, SEVERE CLASSIC TYPE. Identifiers: MedGen C0268335, MONDO:0019567, OMIM 130000.
Osteogenesis imperfecta type I (OI1). Also called: Osteogenesis imperfecta type 1; Lobstein's Disease; Lobstein disease; OI, TYPE I; OSTEOGENESIS IMPERFECTA TARDA; OSTEOGENESIS IMPERFECTA WITH BLUE SCLERAE. Identifiers: Orphanet 216796, Orphanet 666, MedGen C0023931, MONDO:0008146, OMIM 166200. Disease mechanism: loss of function.

Allele frequency attached by ClinVar (database versions not stated): gnomAD 0.00001.
gnomAD v4.1: 2 of 1,614,010 alleles (0.00012%); highest among the groups gnomAD compares: African/African-American, 0.0013%; no homozygotes.

Submission:

Labcorp Genetics (formerly Invitae), Labcorp
Classification: Uncertain significance for Osteogenesis imperfecta type I; Ehlers-Danlos syndrome, classic type, 1. Last evaluated: 2022-09-13. Review status: criteria provided, single submitter. Criteria: Invitae Variant Classification Sherloc (09022015). Collection method: clinical testing. Allele origin: germline.
Comment: This variant is present in population databases (no rsID available, gnomAD 0.01%). This variant has not been reported in the literature in individuals affected with COL1A2-related conditions. Variants that disrupt the consensus splice site are a relatively common cause of aberrant splicing (PMID: 17576681, 9536098). Algorithms developed to predict the effect of sequence changes on RNA splicing suggest that this variant is not likely to affect RNA splicing. In summary, the available evidence is currently insufficient to determine the role of this variant in disease. Therefore, it has been classified as a Variant of Uncertain Significance. This sequence change falls in intron 8 of the COL1A2 gene. It does not directly change the encoded amino acid sequence of the COL1A2 protein. It affects a nucleotide within the consensus splice site.

Literature cited by the submitters: PubMed 17576681; PubMed 9536098.

NM_000089.4(COL1A2):c.379-3T>C

Gene: COL1A2 (collagen type I alpha 2 chain; plus strand). Cytogenetic location: 7q21.3.
Variant type: single nucleotide variant.
Coding change: c.379-3T>C on transcript NM_000089.4 (MANE Select); 3 bases into the intron before coding-DNA position 379, T replaced by C.
Molecular consequence: intron variant.
Genome position (GRCh38, 1-based): chr7:94,404,836, T>C. VCF-style: chr7-94404836-T-C. GRCh37 (hg19) VCF-style: chr7-94034148-T-C.
Identifiers: ClinVar variation 1918471 (VCV001918471.5), dbSNP rs1369741967, ClinGen allele CA576321562.
Genomic context (GRCh38, chr7:94,404,836, plus strand): 5'-GTTTTTTTCCAGGAAGTTTATGAATATAACCTTAGTGAAATGATGGGTCTCCCATTTTCT[T>C]AGGGTCCTGCAGGTGCTCGTGGTCCAGCTGGCCCTCCTGGCAAGGCTGGTGAAGATGTAA-3'